The following is an entry in ClinVar:

ClinVar aggregate classification (germline): Uncertain significance (1 of 4 stars; one submission).

Conditions:
Hereditary cancer-predisposing syndrome. Also called: Hereditary Cancer Syndrome; Neoplastic Syndromes, Hereditary; Tumor predisposition; Hereditary neoplastic syndrome. Identifiers: Orphanet 140162, MedGen C0027672, MeSH D009386, MONDO:0015356.

Submission:

Ambry Genetics
Classification: Uncertain significance for Hereditary cancer-predisposing syndrome. Last evaluated: 2017-06-28. Review status: criteria provided, single submitter. Criteria: Ambry Variant Classification Scheme 2023. Collection method: clinical testing. Allele origin: germline.
Comment: The p.D1482E variant (also known as c.4446T>G), located in coding exon 12 of the BRCA1 gene, results from a T to G substitution at nucleotide position 4446. The aspartic acid at codon 1482 is replaced by glutamic acid, an amino acid with highly similar properties. This amino acid position is poorly conserved in available vertebrate species. In addition, this alteration is predicted to be tolerated by in silico analysis. Since supporting evidence is limited at this time, the clinical significance of this alteration remains unclear.

NM_007294.4(BRCA1):c.4446T>G (p.Asp1482Glu)

Gene: BRCA1 (BRCA1 DNA repair associated; minus strand). Cytogenetic location: 17q21.31.
Variant type: single nucleotide variant.
Coding change: c.4446T>G on transcript NM_007294.4 (MANE Select); coding-DNA position 4446, T replaced by G.
Protein change: p.Asp1482Glu; replaces aspartic acid 1482 with glutamic acid.
Molecular consequence: missense variant. On other transcripts: non-coding transcript variant (1).
Genome position (GRCh38, 1-based): chr17:43,076,526, A>C on the plus strand (T>G on the coding strand, the complement: BRCA1 is on the minus strand). VCF-style: chr17-43076526-A-C. GRCh37 (hg19) VCF-style: chr17-41228543-A-C.
Other names: c.4233T>G, p.Asp1411Glu (NM_001407571.1, NM_001407894.1, NM_001407895.1 and 12 more transcripts); c.4512T>G, p.Asp1504Glu (NM_001407581.1, NM_001407582.1); c.4509T>G, p.Asp1503Glu (NM_001407583.1, NM_001407585.1, NM_001407587.1 and 1 more transcripts); c.4506T>G, p.Asp1502Glu (NM_001407590.1, NM_001407591.1); c.4446T>G, p.Asp1482Glu (NM_001407593.1, NM_001407594.1, NM_001407596.1 and 8 more transcripts); c.4443T>G, p.Asp1481Glu (NM_001407610.1, NM_001407611.1, NM_001407612.1 and 17 more transcripts); c.4440T>G, p.Asp1480Glu (NM_001407627.1, NM_001407628.1, NM_001407629.1 and 14 more transcripts); c.4437T>G, p.Asp1479Glu (NM_001407644.1, NM_001407645.1); and 68 more; short protein forms D1482E, D1435E, D378E, D1503E, D1185E, D1392E, D1393E, D1413E.
Identifiers: ClinVar variation 481168 (VCV000481168.6), dbSNP rs1555582586, ClinGen allele CA10592643.